The following is an entry in ClinVar:

NM_001369.3(DNAH5):c.57G>A (p.Thr19=)

Gene: DNAH5 (dynein axonemal heavy chain 5; minus strand). Cytogenetic location: 5p15.2.
Variant type: single nucleotide variant.
Coding change: c.57G>A on transcript NM_001369.3 (MANE Select); coding-DNA position 57, G replaced by A.
Protein change: p.Thr19=; no amino-acid change (threonine 19 retained).
Molecular consequence: synonymous variant.
Genome position (GRCh38, 1-based): chr5:13,944,382, C>T on the plus strand (G>A on the coding strand, the complement: DNAH5 is on the minus strand). VCF-style: chr5-13944382-C-T. GRCh37 (hg19) VCF-style: chr5-13944491-C-T.
Identifiers: ClinVar variation 1749758 (VCV001749758.2), dbSNP rs142969794, ClinGen allele CA113933368.

ClinVar aggregate classification (germline): Uncertain significance (1 of 4 stars; one submission).

Conditions:
Primary ciliary dyskinesia. Also called: Ciliary dyskinesia. Identifiers: Orphanet 244, MedGen C0008780, MONDO:0016575, HP:0012265.

gnomAD v4.1: 45 of 1,613,606 alleles (0.0028%); highest among the groups gnomAD compares: Admixed American, 0.0033%; no homozygotes.

Submission:

Ambry Genetics
Classification: Uncertain significance for Primary ciliary dyskinesia. Last evaluated: 2022-08-10. Review status: criteria provided, single submitter. Criteria: Ambry Variant Classification Scheme 2023. Collection method: clinical testing. Allele origin: germline.
Comment: The c.57G>A variant (also known as p.T19T) is located in coding exon 1 of the DNAH5 gene. This variant results from a G to A substitution at nucleotide position 57. This nucleotide substitution does not change the threonine at codon 19. This nucleotide position is highly conserved in available vertebrate species. In silico splice site analysis predicts that this alteration will result in the creation or strengthening of a novel splice donor site. Since supporting evidence is limited at this time, the clinical significance of this alteration remains unclear.